The following is an entry in ClinVar:

NM_020778.5(ALPK3):c.350_352del (p.Leu117_Asp118delinsHis)

Gene: ALPK3 (alpha kinase 3; plus strand). Cytogenetic location: 15q25.3.
Variant type: Deletion.
Coding change: c.350_352del on transcript NM_020778.5 (MANE Select); coding-DNA positions 350 to 352, 3 bases deleted (TGG; older notation c.350_352delTGG).
Protein change: p.Leu117_Asp118delinsHis.
Molecular consequence: inframe indel.
Genome position (GRCh38, 1-based): chr15:84,839,025-84,839,027, TGG deleted. VCF-style (leftmost placement, unchanged base first): chr15-84839024-CTGG-C. GRCh37 (hg19) VCF-style: chr15-85382255-CTGG-C.
Identifiers: ClinVar variation 2970625 (VCV002970625.5), dbSNP rs2505703901, ClinGen allele CA2740096744.

ClinVar aggregate classification (germline): Uncertain significance. Review status: criteria provided, multiple submitters, no conflicts (2 of 4 stars). 2 submissions from 2 submitters: Uncertain significance (2). Last evaluated 2025-07-22.

Conditions:
Cardiomyopathy, familial hypertrophic 27. Identifiers: MedGen C4748014, MONDO:0054838, OMIM 618052.

Submissions (2):

Victorian Clinical Genetics Services, Murdoch Childrens Research Institute
Classification: Uncertain significance for Cardiomyopathy, familial hypertrophic 27. Last evaluated: 2025-07-22. Review status: criteria provided, single submitter. Criteria: ACMG Guidelines, 2015. Collection method: clinical testing. Allele origin: germline. Affected: yes.
Comment: This variant is classified as VUS-3A. Evidence in support of pathogenic classification: In-frame deletion/insertion in a non-repetitive region that has high conservation; Variant is absent from gnomAD (v2, v3 and v4). Additional information: This variant is heterozygous; This gene is associated with both recessive and dominant disease (PMIDs: 32480058, 34263907, 38356193); Previous evidence of pathogenicity for this variant is inconclusive. This variant has been classified as a VUS by a clinical laboratory in ClinVar, and reported in the literature in an individual with hypertrophic cardiomyopathy, with zygosity not provided (PMID: 35783621); No published evidence of segregation with disease has been identified for this variant; No published functional evidence has been identified for this variant; No comparable in-frame deletion variants have previous evidence for pathogenicity. However, p.(Asp118Gly) and p.(Asp118Asn) have been classified as VUS by clinical laboratories in ClinVar; Variant is located in the annotated immunoglobulin-like 1 domain (PMID: 35783621); Loss of function is a known mechanism of disease in this gene and is associated with familial hypertrophic cardiomyopathy 27 (MIM#618052); The condition associated with this gene has incomplete penetrance. Age-dependent penetrance has been observed in the autosomal dominant condition (PMIDs: 32480058, 34263907, 38356193); Inheritance information for this variant is not currently available in this individual.

Labcorp Genetics (formerly Invitae), Labcorp
Classification: Uncertain significance. Last evaluated: 2025-06-24. Review status: criteria provided, single submitter. Criteria: Invitae Variant Classification Sherloc (09022015). Collection method: clinical testing. Allele origin: germline.
Comment: This variant, c.956_958del, is a complex sequence change that results in the deletion of 2 and insertion of 1 amino acid(s) in the ALPK3 protein (p.Leu319_Asp320delinsHis). This variant is not present in population databases (gnomAD no frequency). This variant has not been reported in the literature in individuals affected with ALPK3-related conditions. ClinVar contains an entry for this variant (Variation ID: 2970625). Experimental studies and prediction algorithms are not available or were not evaluated, and the functional significance of this variant is currently unknown. In summary, the available evidence is currently insufficient to determine the role of this variant in disease. Therefore, it has been classified as a Variant of Uncertain Significance.

Literature cited by the submitters: PubMed 38356193 (cited by Victorian Clinical Genetics Services, Murdoch Childrens Research Institute); PubMed 34263907 (cited by Victorian Clinical Genetics Services, Murdoch Childrens Research Institute); PubMed 32480058 (cited by Victorian Clinical Genetics Services, Murdoch Childrens Research Institute); PubMed 35783621 (cited by Victorian Clinical Genetics Services, Murdoch Childrens Research Institute).